The following is an entry in ClinVar:

NM_182914.3(SYNE2):c.20543G>A (p.Arg6848His)

Gene: SYNE2 (spectrin repeat containing nuclear envelope protein 2; plus strand). Cytogenetic location: 14q23.2.
Variant type: single nucleotide variant.
Coding change: c.20543G>A on transcript NM_182914.3 (MANE Select); coding-DNA position 20543, G replaced by A.
Protein change: p.Arg6848His; replaces arginine 6848 with histidine.
Molecular consequence: missense variant.
Genome position (GRCh38, 1-based): chr14:64,225,345, G>A. VCF-style: chr14-64225345-G-A. GRCh37 (hg19) VCF-style: chr14-64692063-G-A.
Other names: c.20477G>A, p.Arg6826His (NM_015180.6); c.1109G>A, p.Arg370His (NM_182910.2); c.1490G>A, p.Arg497His (NM_182913.4); short protein forms R6826H, R6848H, R370H, R497H.
Identifiers: ClinVar variation 949993 (VCV000949993.11), dbSNP rs759174521, ClinGen allele CA7224942.

ClinVar aggregate classification (germline): Uncertain significance. Review status: criteria provided, multiple submitters, no conflicts (2 of 4 stars). 3 submissions from 3 submitters: Uncertain significance (3). Last evaluated 2025-02-08.

Conditions:
Emery-Dreifuss muscular dystrophy 5, autosomal dominant (EDMD5). Also called: EMERY-DREIFUSS MUSCULAR DYSTROPHY 5. Identifiers: Orphanet 261, MedGen C2751805, MONDO:0013072, OMIM 612999.

Allele frequency attached by ClinVar (database versions not stated): gnomAD 0.00002; gnomAD exomes 0.00002; TOPMed 0.00002; ExAC 0.00003.
gnomAD v4.1: 26 of 1,613,966 alleles (0.0016%); highest among the groups gnomAD compares: South Asian, 0.0022%; no homozygotes.

Submissions (3):

Ambry Genetics
Classification: Uncertain significance. Last evaluated: 2025-02-08. Review status: criteria provided, single submitter. Criteria: Ambry Variant Classification Scheme 2023. Collection method: clinical testing. Allele origin: germline.

Labcorp Genetics (formerly Invitae), Labcorp
Classification: Uncertain significance for Emery-Dreifuss muscular dystrophy 5, autosomal dominant. Last evaluated: 2024-02-06. Review status: criteria provided, single submitter. Criteria: Invitae Variant Classification Sherloc (09022015). Collection method: clinical testing. Allele origin: germline.
Comment: This sequence change replaces arginine, which is basic and polar, with histidine, which is basic and polar, at codon 6848 of the SYNE2 protein (p.Arg6848His). This variant is present in population databases (rs759174521, gnomAD 0.003%). This variant has not been reported in the literature in individuals affected with SYNE2-related conditions. ClinVar contains an entry for this variant (Variation ID: 949993). An algorithm developed to predict the effect of missense changes on protein structure and function (PolyPhen-2) suggests that this variant is likely to be disruptive. In summary, the available evidence is currently insufficient to determine the role of this variant in disease. Therefore, it has been classified as a Variant of Uncertain Significance.

Revvity Omics, Revvity
Classification: Uncertain significance for Emery-Dreifuss muscular dystrophy 5, autosomal dominant. Last evaluated: 2023-09-13. Review status: criteria provided, single submitter. Criteria: ACMG Guidelines, 2015. Collection method: clinical testing. Allele origin: germline.